The following is an entry in ClinVar:

NM_024675.4(PALB2):c.2689C>T (p.Leu897Phe)

Gene: PALB2 (partner and localizer of BRCA2; minus strand). Cytogenetic location: 16p12.2.
Variant type: single nucleotide variant.
Coding change: c.2689C>T on transcript NM_024675.4 (MANE Select); coding-DNA position 2689, C replaced by T.
Protein change: p.Leu897Phe; replaces leucine 897 with phenylalanine.
Molecular consequence: missense variant.
Genome position (GRCh38, 1-based): chr16:23,626,295, G>A on the plus strand (C>T on the coding strand, the complement: PALB2 is on the minus strand). VCF-style: chr16-23626295-G-A. GRCh37 (hg19) VCF-style: chr16-23637616-G-A.
Other names: short protein forms L897F.
Identifiers: ClinVar variation 821665 (VCV000821665.5), dbSNP rs761739493, ClinGen allele CA7963507.

ClinVar aggregate classification (germline): Uncertain significance. Review status: criteria provided, multiple submitters, no conflicts (2 of 4 stars). 2 submissions from 2 submitters: Uncertain significance (2). Last evaluated 2024-02-20.

Conditions:
Hereditary cancer-predisposing syndrome. Also called: Neoplastic Syndromes, Hereditary; Tumor predisposition; Hereditary Cancer Syndrome; Hereditary neoplastic syndrome. Identifiers: Orphanet 140162, MedGen C0027672, MeSH D009386, MONDO:0015356.

Allele frequency attached by ClinVar (database versions not stated): ExAC 0.00001.
gnomAD v4.1: 3 of 1,614,164 alleles (0.00019%); no homozygotes.

Submissions (2):

Blueprint Genetics
Classification: Uncertain significance. Last evaluated: 2024-02-20. Review status: criteria provided, single submitter. Criteria: ACMG Guidelines, 2015. Collection method: clinical testing. Allele origin: germline.

Ambry Genetics
Classification: Uncertain significance for Hereditary cancer-predisposing syndrome. Last evaluated: 2019-07-23. Review status: criteria provided, single submitter. Criteria: Ambry Variant Classification Scheme 2023. Collection method: clinical testing. Allele origin: germline.
Comment: The p.L897F variant (also known as c.2689C>T), located in coding exon 7 of the PALB2 gene, results from a C to T substitution at nucleotide position 2689. The leucine at codon 897 is replaced by phenylalanine, an amino acid with highly similar properties. This amino acid position is highly conserved in available vertebrate species. In addition, this alteration is predicted to be tolerated by in silico analysis. Since supporting evidence is limited at this time, the clinical significance of this alteration remains unclear.